The following is an entry in ClinVar:

ClinVar aggregate classification (germline): Likely pathogenic (1 of 4 stars; one submission).

Conditions:
Cardiovascular phenotype. Identifiers: MedGen CN230736.

Submission:

Ambry Genetics
Classification: Likely pathogenic for Cardiovascular phenotype. Last evaluated: 2026-07-14. Review status: criteria provided, single submitter. Criteria: Ambry Variant Classification Scheme 2023. Collection method: clinical testing. Allele origin: germline.
Comment: The c.36526dupT variant, located in coding exon 133 of the TTN gene, results from a duplication of T at nucleotide position 36526, causing a translational frameshift with a predicted alternate stop codon (p.S12176Ffs*32). This exon is located in the A-band region of the N2-B isoform of the titin protein and is constitutively expressed in TTN transcripts (percent spliced in or PSI 100%). This variant is considered to be rare based on population cohorts in the Genome Aggregation Database (gnomAD). This variant is expected to result in loss of function by premature protein truncation or nonsense-mediated mRNA decay. While truncating variants in TTN are present in 1-3% of the general population, truncating variants in the A-band are the most common cause of dilated cardiomyopathy (Herman DS et al. N. Engl. J. Med., 2012 Feb;366:619-28; Roberts AM et al. Sci Transl Med, 2015 Jan;7:270ra6). TTN truncating variants encoded in constitutive exons (PSI >90%) have been found to be significantly associated with DCM regardless of their position in titin (Schafer S et al. Nat. Genet., 2017 01;49:46-53; Akhtar MM et al. Circ Heart Fail, 2020 Oct;13:e006832; Massier M et al. Clin Genet, 2025 Jan). Based on the majority of available evidence to date, this variant is likely to be pathogenic.

NM_001267550.2(TTN):c.63721dup (p.Ser21241fs)

Genes: TTN (titin; minus strand), TTN-AS1 (TTN antisense RNA 1; plus strand). Cytogenetic location: 2q31.2.
Variant type: Duplication.
Coding change: c.63721dup on transcript NM_001267550.2 (MANE Select); coding-DNA position 63721, one base duplicated (T; older notation c.63721dupT).
Protein change: p.Ser21241fs; shifts the reading frame from serine 21241.
Molecular consequence: frameshift variant.
Genome position (GRCh38, 1-based): chr2:178,587,588, A duplicated on the plus strand (T on the coding strand, the reverse complement: TTN is on the minus strand). VCF-style (leftmost placement, unchanged base first): chr2-178587587-G-GA. GRCh37 (hg19) VCF-style: chr2-179452314-G-GA.
Other names: c.58798dup, p.Ser19600fs (NM_001256850.1); c.36526dup, p.Ser12176fs (NM_003319.4); c.56017dup, p.Ser18673fs (NM_133378.4); c.36901dup, p.Ser12301fs (NM_133432.3); c.37102dup, p.Ser12368fs (NM_133437.4); c.36526dupT (NM_003319.4); short protein forms S12176fs, S12301fs, S12368fs, S18673fs, S21241fs, S19600fs.
Identifiers: ClinVar variation 5031459 (VCV005031459.1).